The following is an entry in ClinVar:

ClinVar aggregate classification (germline): Likely pathogenic (1 of 4 stars; one submission).

Conditions:
Intellectual developmental disorder with autism and macrocephaly. Also called: CHD8-Related Neurodevelopmental Disorder with Overgrowth; Autism, susceptibility to, 18. Identifiers: Orphanet 642675, MedGen C3554373, MONDO:0014017, OMIM 615032.

gnomAD v4.1: 1 of 1,613,800 alleles (0.000062%); highest among the groups gnomAD compares: Non-Finnish European, 0.000085%; no homozygotes.

Submission:

Victorian Clinical Genetics Services, Murdoch Childrens Research Institute
Classification: Likely pathogenic for Intellectual developmental disorder with autism and macrocephaly. Last evaluated: 2025-07-09. Review status: criteria provided, single submitter. Criteria: ACMG Guidelines, 2015. Collection method: clinical testing. Allele origin: germline. Affected: yes.
Comment: This variant is classified as Likely pathogenic. Evidence in support of pathogenic classification: Variant is present in gnomAD <0.001 for a dominant condition (v4: 1 heterozygote, 0 homozygotes) - Missense variant predicted to be damaging by in silico tool(s) or highly conserved with a major amino acid change; Additional information: Variant is predicted to result in a missense amino acid change from leucine to proline; This variant is heterozygous; This gene is associated with autosomal dominant disease; This variant has no previous evidence of pathogenicity; No published segregation evidence has been identified for this variant; No published functional evidence has been identified for this variant; No comparable missense variants have previous evidence for pathogenicity; Variant is located in the annotated helicase conserved C-terminal domain (DECIPHER); Loss of function is a known mechanism of disease in this gene and is associated with intellectual developmental disorder with autism and macrocephaly (MIM#615032).

NM_001170629.2(CHD8):c.3434T>C (p.Leu1145Pro)

Gene: CHD8 (chromodomain helicase DNA binding protein 8; minus strand). Cytogenetic location: 14q11.2.
Variant type: single nucleotide variant.
Coding change: c.3434T>C on transcript NM_001170629.2 (MANE Select); coding-DNA position 3434, T replaced by C.
Protein change: p.Leu1145Pro; replaces leucine 1145 with proline.
Molecular consequence: missense variant.
Genome position (GRCh38, 1-based): chr14:21,403,537, A>G on the plus strand (T>C on the coding strand, the complement: CHD8 is on the minus strand). VCF-style: chr14-21403537-A-G. GRCh37 (hg19) VCF-style: chr14-21871696-A-G.
Other names: c.2597T>C, p.Leu866Pro (NM_020920.4); short protein forms L1145P, L866P.
Identifiers: ClinVar variation 4531473 (VCV004531473.1).